The following is an entry in ClinVar:

NM_175914.5(HNF4A):c.733C>A (p.Arg245Ser)

Gene: HNF4A (hepatocyte nuclear factor 4 alpha; plus strand). Cytogenetic location: 20q13.12.
Variant type: single nucleotide variant.
Coding change: c.733C>A on transcript NM_175914.5 (MANE Select); coding-DNA position 733, C replaced by A.
Protein change: p.Arg245Ser; replaces arginine 245 with serine.
Molecular consequence: missense variant.
Genome position (GRCh38, 1-based): chr20:44,419,783, C>A. VCF-style: chr20-44419783-C-A. GRCh37 (hg19) VCF-style: chr20-43048423-C-A.
Other names: NM_175914.5(HNF4A):c.733C>A; p.Arg245Ser; c.799C>A, p.Arg267Ser (NM_000457.6, NM_178849.3, NM_178850.3); c.733C>A, p.Arg245Ser (NM_001030003.3, NM_001030004.3); c.778C>A, p.Arg260Ser (NM_001258355.2); c.724C>A, p.Arg242Ser (NM_001287182.2, NM_001287183.2, NM_001287184.2); short protein forms R242S, R245S, R260S, R267S.
Identifiers: ClinVar variation 1303097 (VCV001303097.3), dbSNP rs1290868034, ClinGen allele CA409107445.

ClinVar aggregate classification (germline): Likely pathogenic. Review status: reviewed by expert panel (3 of 4 stars). 2 submissions from 2 submitters: Likely pathogenic (1). 1 of the submissions does not count toward it. Last evaluated 2026-10-22.

Conditions:
Monogenic diabetes. Identifiers: Orphanet 183625, MedGen C3888631, MONDO:0015967.

gnomAD v4.1: 1 of 1,605,666 alleles (0.000062%); highest among the groups gnomAD compares: Non-Finnish European, 0.000085%; no homozygotes.

Submissions (2):

ClinGen Monogenic Diabetes Variant Curation Expert Panel
Classification: Likely pathogenic for Monogenic diabetes. Last evaluated: 2026-10-22. Review status: reviewed by expert panel. Criteria: ClinGen Diabetes ACMG Specifications HNF4A V4.0.0. Collection method: curation. Allele origin: germline. Inheritance: Autosomal dominant inheritance.
Comment: The c.733G>A variant in the hepatocyte nuclear factor 4-alpha gene, HNF4A, causes an amino acid change of arginine to serine at codon 245 (p.(Arg245Ser)) of NM_175914.5. This variant is absent in gnomAD v4.1.2 (PM2_Supporting). It was identified in two unrelated individuals with non-autoimmune and non-absolute/near-absolute insulin-deficient diabetes; however, PS4_Moderate cannot be applied because this number is below the ClinGen MDEP threshold (ClinVar ID:1303097, internal lab contributor). However, one individual has a clinical history highly specific for HNF4A-MODY monogenic diabetes (MODY probability calculator result >50%, negative genetic testing for HNF1A, antibody negative, and sensitive to low-dose sulfonylureas (PP4_Moderate; internal lab contributor). This variant is predicted to be deleterious by computational evidence, with a REVEL score of 0.916, which is greater than the MDEP VCEP threshold of 0.70 (PP3). Additionally, two other missense variants, c.733C>T (p.Arg245Cys) and c.734G>A (p.Arg245His), have been interpreted as pathogenic by the ClinGen MDEP and p.Arg245Ser has a greater Grantham distance than p.Arg245His (PM5_Strong). In summary, c.733C>A meets the criteria to be classified as likely pathogenic for monogenic diabetes. ACMG/AMP criteria applied, as specified by the ClinGen MDEP (specification version 4.0.0, approved 10/10/2025): PM5_Strong, PP4_Moderate, PP3, PM2_Supporting.

GeneDx
Classification: Uncertain significance. Last evaluated: 2020-02-07. Review status: criteria provided, single submitter. Criteria: GeneDx Variant Classification Process June 2021. Collection method: clinical testing. Allele origin: germline. Affected: yes. Not counted in ClinVar's aggregate classification.
Comment: Not observed in large population cohorts (Lek et al., 2016); In silico analysis, which includes protein predictors and evolutionary conservation, supports a deleterious effect; Reported to be present in a patient with MODY in published literature (Colclough et al., 2013), however, data for this finding is unpublished; This variant is associated with the following publications: (PMID: 23348805)